The following is an entry in ClinVar:

NM_001100818.2(PID1):c.269C>T (p.Thr90Met)

Gene: PID1 (phosphotyrosine interaction domain containing 1; minus strand). Cytogenetic location: 2q36.3.
Variant type: single nucleotide variant.
Coding change: c.269C>T on transcript NM_001100818.2 (MANE Select); coding-DNA position 269, C replaced by T.
Protein change: p.Thr90Met; replaces threonine 90 with methionine.
Molecular consequence: missense variant.
Genome position (GRCh38, 1-based): chr2:229,026,017, G>A on the plus strand (C>T on the coding strand, the complement: PID1 is on the minus strand). VCF-style: chr2-229026017-G-A. GRCh37 (hg19) VCF-style: chr2-229890733-G-A.
Other names: c.368C>T, p.Thr123Met (NM_001330156.1); c.122C>T, p.Thr41Met (NM_001330157.2); c.227C>T, p.Thr76Met (NM_001330158.2); c.362C>T, p.Thr121Met (NM_017933.5); short protein forms T121M, T123M, T41M, T76M, T90M.
Identifiers: ClinVar variation 3049174 (VCV003049174.2), dbSNP rs116780832, ClinGen allele CA2151357.
Genomic context (GRCh38, chr2:229,026,017, plus strand): 5'-ACTTGGAATGGCCGGATTTCCAGGAGGGCATTGGCCGGAAAGACATCCTCTCGGGCTAGC[G>A]TGTGCTTCTTCCAGAGCTCAATGACTGGCTTTTCTGTGCAGCCTGACAAAAACTGCATGC-3'
Protein context (NP_001094288.1, residues 80-100): KPVIELWKKH[Thr90Met]LAREDVFPAN

ClinVar aggregate classification (germline): Likely benign (0 of 4 stars; one submission).

Conditions:
PID1-related disorder. Also called: PID1-related condition.

Allele frequency attached by ClinVar (database versions not stated): TOPMed 0.00031; ESP Exome Variant Server 0.00054; gnomAD exomes 0.00072; gnomAD 0.00078; ExAC 0.00082; 1000 Genomes Project 0.00100; 1000 Genomes Project 30x 0.00125.
gnomAD v4.1: 1,168 of 1,614,184 alleles (0.072%); highest among the groups gnomAD compares: Middle Eastern, 0.16%; 4 homozygotes.

Submission:

PreventionGenetics, part of Exact Sciences
Classification: Likely benign for PID1-related condition. Last evaluated: 2023-03-20. Review status: no assertion criteria provided. Collection method: clinical testing. Allele origin: germline.
Comment: This variant is classified as likely benign based on ACMG/AMP sequence variant interpretation guidelines (Richards et al. 2015 PMID: 25741868, with internal and published modifications).